The following is an entry in ClinVar:

NM_006302.3(MOGS):c.1516C>T (p.Arg506Ter)

Gene: MOGS (mannosyl-oligosaccharide glucosidase; minus strand). Cytogenetic location: 2p13.1.
Variant type: single nucleotide variant.
Coding change: c.1516C>T on transcript NM_006302.3 (MANE Select); coding-DNA position 1516, C replaced by T.
Protein change: p.Arg506Ter; replaces arginine 506 with a stop codon.
Molecular consequence: nonsense.
Genome position (GRCh38, 1-based): chr2:74,462,273, G>A on the plus strand (C>T on the coding strand, the complement: MOGS is on the minus strand). VCF-style: chr2-74462273-G-A. GRCh37 (hg19) VCF-style: chr2-74689400-G-A.
Other names: c.1198C>T, p.Arg400Ter (NM_001146158.2); short protein forms R400*, R506*.
Identifiers: ClinVar variation 3690170 (VCV003690170.2).

ClinVar aggregate classification (germline): Pathogenic (1 of 4 stars; one submission).

Conditions:
MOGS-congenital disorder of glycosylation. Also called: MOGS-CDG; GLUCOSIDASE I DEFICIENCY; CDG IIb; CDG 2B. Identifiers: Orphanet 79330, MedGen C1853736, MONDO:0011629, OMIM 606056.

Submission:

Labcorp Genetics (formerly Invitae), Labcorp
Classification: Pathogenic for MOGS-congenital disorder of glycosylation. Last evaluated: 2026-02-03. Review status: criteria provided, single submitter. Criteria: Invitae Variant Classification Sherloc (09022015). Collection method: clinical testing. Allele origin: germline.
Comment: This sequence change creates a premature translational stop signal (p.Arg506*) in the MOGS gene. While this is not anticipated to result in nonsense mediated decay, it is expected to disrupt the last 332 amino acid(s) of the MOGS protein. This variant is not present in population databases (gnomAD no frequency). This variant has not been reported in the literature in individuals affected with MOGS-related conditions. ClinVar contains an entry for this variant (Variation ID: 3690170). This variant disrupts a region of the MOGS protein in which other variant(s) (p.Arg535*) have been determined to be pathogenic (PMID: 29235540, 33261925). This suggests that this is a clinically significant region of the protein, and that variants that disrupt it are likely to be disease-causing. For these reasons, this variant has been classified as Pathogenic.

Literature cited by the submitters: PubMed 29235540; PubMed 33261925.